The following is an entry in ClinVar:

NM_001042432.2(CLN3):c.509T>C (p.Leu170Pro)

Gene: CLN3 (CLN3 lysosomal/endosomal transmembrane protein, battenin; minus strand). Cytogenetic location: 16p12.1.
Variant type: single nucleotide variant.
Coding change: c.509T>C on transcript NM_001042432.2 (MANE Select); coding-DNA position 509, T replaced by C.
Protein change: p.Leu170Pro; replaces leucine 170 with proline.
Molecular consequence: missense variant.
Genome position (GRCh38, 1-based): chr16:28,486,602, A>G on the plus strand (T>C on the coding strand, the complement: CLN3 is on the minus strand). VCF-style: chr16-28486602-A-G. GRCh37 (hg19) VCF-style: chr16-28497923-A-G.
Other names: c.509T>C, p.Leu170Pro (NM_000086.2); c.437T>C, p.Leu146Pro (NM_001286104.2); c.209T>C, p.Leu70Pro (NM_001286105.2); c.275T>C, p.Leu92Pro (NM_001286109.2); c.347T>C, p.Leu116Pro (NM_001286110.2); short protein forms L170P, L92P, L146P, L116P, L70P.
Identifiers: ClinVar variation 56277 (VCV000056277.4), dbSNP rs386833727, ClinGen allele CA263696.

ClinVar aggregate classification (germline): Conflicting classifications of pathogenicity. Review status: criteria provided, conflicting classifications (1 of 4 stars). 3 submissions from 3 submitters: Likely pathogenic (1); Uncertain significance (1). 1 of the submissions does not count toward it. Last evaluated 2024-04-06.

Conditions:
Neuronal ceroid lipofuscinosis 3 (CLN3). Identifiers: Orphanet 228346, MedGen C0751383, MONDO:0008767, OMIM 204200.

Submissions (3):

Fulgent Genetics
Classification: Likely pathogenic for Neuronal ceroid lipofuscinosis 3. Last evaluated: 2024-04-06. Review status: criteria provided, single submitter. Criteria: ACMG Guidelines, 2015. Collection method: clinical testing. Allele origin: germline.

Women's Health and Genetics/Laboratory Corporation of America, LabCorp
Classification: Uncertain significance. Last evaluated: 2024-04-05. Review status: criteria provided, single submitter. Criteria: LabCorp Variant Classification Summary - May 2015. Collection method: clinical testing. Allele origin: germline.
Comment: Variant summary: CLN3 c.509T>C (p.Leu170Pro) results in a non-conservative amino acid change in the encoded protein sequence. Five of five in-silico tools predict a damaging effect of the variant on protein function. The variant was absent in 244596 control chromosomes. c.509T>C has been reported at a compound heterozygous state along with a pathogenic 1.02 kb del of ex. 8-9 in two siblings affected with Neuronal Ceroid-Lipofuscinosis (Munroe_1997). These data indicate that the variant may be associated with disease. At least one publication reports experimental evidence evaluating an impact on protein function. These results showed no damaging effect of this variant (Haskell_2000). The following publications have been ascertained in the context of this evaluation (PMID: 19132115, 10749980, 9311735). ClinVar contains an entry for this variant (Variation ID: 56277). Based on the evidence outlined above, the variant was classified as VUS-possibly pathogenic.

Juha Muilu Group; Institute for Molecular Medicine Finland (FIMM)
Classification: Likely pathogenic for Juvenile neuronal ceroid lipofuscinosis. Review status: no assertion criteria provided. Collection method: not provided. Allele origin: unknown. Not counted in ClinVar's aggregate classification.
Comment: FinDis database variant: This variant was not found or characterized by our laboratory, data were collected from public sources: see reference
ClinVar note: Converted during submission from probable-pathogenic to Likely pathogenic.

Literature cited by the submitters: PubMed 9311735 (cited by Women's Health and Genetics/Laboratory Corporation of America, LabCorp); PubMed 10749980 (cited by Women's Health and Genetics/Laboratory Corporation of America, LabCorp); PubMed 19132115 (cited by Women's Health and Genetics/Laboratory Corporation of America, LabCorp).